The following is an entry in ClinVar:

NM_001429.4(EP300):c.6038C>T (p.Pro2013Leu)

Gene: EP300 (E1A binding protein p300; plus strand). Cytogenetic location: 22q13.2.
Variant type: single nucleotide variant.
Coding change: c.6038C>T on transcript NM_001429.4 (MANE Select); coding-DNA position 6038, C replaced by T.
Protein change: p.Pro2013Leu; replaces proline 2013 with leucine.
Molecular consequence: missense variant.
Genome position (GRCh38, 1-based): chr22:41,177,749, C>T. VCF-style: chr22-41177749-C-T. GRCh37 (hg19) VCF-style: chr22-41573753-C-T.
Other names: c.5960C>T, p.Pro1987Leu (NM_001362843.2); short protein forms P1987L, P2013L.
Identifiers: ClinVar variation 3041027 (VCV003041027.2), dbSNP rs2059210585, ClinGen allele CA411680156.

ClinVar aggregate classification (germline): Likely benign (0 of 4 stars; one submission).

Conditions:
EP300-related disorder. Also called: EP300-related disorders; EP300-related condition.

Allele frequency attached by ClinVar (database versions not stated): gnomAD exomes below 0.00001.
gnomAD v4.1: 3 of 1,613,926 alleles (0.00019%); highest among the groups gnomAD compares: Admixed American, 0.0017%; no homozygotes.

Submission:

PreventionGenetics, part of Exact Sciences
Classification: Likely benign for EP300-related condition. Last evaluated: 2023-02-28. Review status: no assertion criteria provided. Collection method: clinical testing. Allele origin: germline.
Comment: This variant is classified as likely benign based on ACMG/AMP sequence variant interpretation guidelines (Richards et al. 2015 PMID: 25741868, with internal and published modifications).